The following is an entry in ClinVar:

NM_033337.3(CAV3):c.277G>T (p.Ala93Ser)

Genes: CAV3 (caveolin 3; plus strand), OXTR (oxytocin receptor; minus strand). Cytogenetic location: 3p25.3.
Variant type: single nucleotide variant.
Coding change: c.277G>T on transcript NM_033337.3 (MANE Select); coding-DNA position 277, G replaced by T.
Protein change: p.Ala93Ser; replaces alanine 93 with serine.
Molecular consequence: missense variant.
Genome position (GRCh38, 1-based): chr3:8,745,688, G>T. VCF-style: chr3-8745688-G-T. GRCh37 (hg19) VCF-style: chr3-8787374-G-T.
Other names: p.A93S:GCC>TCC; c.277G>T, p.Ala93Ser (NM_001234.5); short protein forms A93S.
Identifiers: ClinVar variation 180798 (VCV000180798.15), dbSNP rs28936686, ClinGen allele CA295941.

ClinVar aggregate classification (germline): Uncertain significance. Review status: criteria provided, multiple submitters, no conflicts (2 of 4 stars). 7 submissions from 7 submitters: Uncertain significance (7). Last evaluated 2025-03-26.

Conditions:
Cardiovascular phenotype. Identifiers: MedGen CN230736.
Long QT syndrome (LQTS). Identifiers: MedGen C0023976, MeSH D008133, MONDO:0002442. Disease mechanism: loss of function. Inheritance: Various modes of inheritance.

Allele frequency attached by ClinVar (database versions not stated): TOPMed 0.00008; 1000 Genomes Project 0.00020; 1000 Genomes Project 30x 0.00031.
gnomAD v4.1: 33 of 1,614,098 alleles (0.002%); highest among the groups gnomAD compares: African/African-American, 0.039%; 1 homozygote.

Submissions (7):

Ambry Genetics
Classification: Uncertain significance for Cardiovascular phenotype. Last evaluated: 2025-03-26. Review status: criteria provided, single submitter. Criteria: Ambry Variant Classification Scheme 2023. Collection method: clinical testing. Allele origin: germline.
Comment: The p.A93S variant (also known as c.277G>T), located in coding exon 2 of the CAV3 gene, results from a G to T substitution at nucleotide position 277. The alanine at codon 93 is replaced by serine, an amino acid with similar properties. Another alteration at the same codon, p.A93T (c.277G>A), has been has been reported in the homozygous state in individuals with rippling muscle disease (RMD) and limb-girdle muscular dystrophy, and one study indicated reduction of CAV3 protein expression and caveolae in skeletal muscle from a homozygous individual (Kubisch C et al. Ann. Neurol., 2003 Apr;53:512-20; Kubisch C et al. Ann. Neurol., 2005 Feb;57:303-4; Magri F et al. Muscle Nerve, 2016 May). This amino acid position is highly conserved in available vertebrate species. In addition, this alteration is predicted to be deleterious by in silico analysis. Since supporting evidence is limited at this time, the clinical significance of this alteration remains unclear.

Labcorp Genetics (formerly Invitae), Labcorp
Classification: Uncertain significance for Long QT syndrome. Last evaluated: 2024-12-30. Review status: criteria provided, single submitter. Criteria: Invitae Variant Classification Sherloc (09022015). Collection method: clinical testing. Allele origin: germline.
Comment: This sequence change replaces alanine, which is neutral and non-polar, with serine, which is neutral and polar, at codon 93 of the CAV3 protein (p.Ala93Ser). This variant is present in population databases (rs28936686, gnomAD 0.03%). This variant has not been reported in the literature in individuals affected with CAV3-related conditions. ClinVar contains an entry for this variant (Variation ID: 180798). An algorithm developed to predict the effect of missense changes on protein structure and function (PolyPhen-2) suggests that this variant is likely to be disruptive. This variant disrupts the p.Ala93 amino acid residue in CAV3. Other variant(s) that disrupt this residue have been determined to be pathogenic (PMID: 12666119, 15668980, 27184587, 196973670). This suggests that this residue is clinically significant, and that variants that disrupt this residue are likely to be disease-causing. In summary, the available evidence is currently insufficient to determine the role of this variant in disease. Therefore, it has been classified as a Variant of Uncertain Significance.

Women's Health and Genetics/Laboratory Corporation of America, LabCorp
Classification: Uncertain significance. Last evaluated: 2023-02-15. Review status: criteria provided, single submitter. Criteria: LabCorp Variant Classification Summary - May 2015. Collection method: clinical testing. Allele origin: germline.
Comment: Variant summary: CAV3 c.277G>T (p.Ala93Ser) results in a conservative amino acid change in the encoded protein sequence. Four of five in-silico tools predict a damaging effect of the variant on protein function. The variant allele was found at a frequency of 2e-05 in 251184 control chromosomes. The available data on variant occurrences in the general population are insufficient to allow any conclusion about variant significance. To our knowledge, no occurrence of c.277G>T in individuals affected with Long QT Syndrome and no experimental evidence demonstrating its impact on protein function have been reported. However, another variant at this position, c.277G>A (p.A93T) has been associated with Rippling muscle disease and Long QT syndrome in ClinVar. Five clinical diagnostic laboratories have submitted clinical-significance assessments for this variant to ClinVar after 2014 without evidence for independent evaluation. All laboratories classified the variant as uncertain significance. Based on the evidence outlined above, the variant was classified as uncertain significance.

GeneDx
Classification: Uncertain significance. Last evaluated: 2022-10-31. Review status: criteria provided, single submitter. Criteria: GeneDx Variant Classification Process June 2021. Collection method: clinical testing. Allele origin: germline. Affected: yes.
Comment: Has not been previously published as pathogenic or benign to our knowledge; In silico analysis supports that this missense variant has a deleterious effect on protein structure/function; This variant is associated with the following publications: (PMID: 19697367, 12666119, 27184587)

AiLife Diagnostics
Classification: Uncertain significance. Last evaluated: 2022-01-06. Review status: criteria provided, single submitter. Criteria: ACMG Guidelines, 2015. Collection method: clinical testing. Allele origin: germline. Affected: yes. Observed: 3 variant alleles.

Revvity Omics, Revvity
Classification: Uncertain significance. Last evaluated: 2021-02-15. Review status: criteria provided, single submitter. Criteria: ACMG Guidelines, 2015. Collection method: clinical testing. Allele origin: germline.

Athena Diagnostics
Classification: Uncertain significance. Last evaluated: 2021-01-05. Review status: criteria provided, single submitter. Criteria: Athena Diagnostics criteria. Collection method: clinical testing. Allele origin: unknown.

Literature cited by the submitters: PubMed 12666119 (cited by Labcorp Genetics (formerly Invitae), Labcorp); PubMed 15668980 (cited by Labcorp Genetics (formerly Invitae), Labcorp); PubMed 27184587 (cited by Labcorp Genetics (formerly Invitae), Labcorp); PubMed 196973670 (cited by Labcorp Genetics (formerly Invitae), Labcorp).